The following is an entry in ClinVar:

ClinVar aggregate classification (germline): Uncertain significance (1 of 4 stars; one submission).

Submission:

Labcorp Genetics (formerly Invitae), Labcorp
Classification: Uncertain significance. Last evaluated: 2025-08-11. Review status: criteria provided, single submitter. Criteria: Invitae Variant Classification Sherloc (09022015). Collection method: clinical testing. Allele origin: germline.
Comment: This sequence change replaces isoleucine, which is neutral and non-polar, with serine, which is neutral and polar, at codon 556 of the POLE protein (p.Ile556Ser). This variant is not present in population databases (gnomAD no frequency). This variant has not been reported in the literature in individuals affected with POLE-related conditions. Invitae Evidence Modeling of protein sequence and biophysical properties (such as structural, functional, and spatial information, amino acid conservation, physicochemical variation, residue mobility, and thermodynamic stability) indicates that this missense variant is expected to disrupt POLE protein function with a positive predictive value of 80%. In summary, the available evidence is currently insufficient to determine the role of this variant in disease. Therefore, it has been classified as a Variant of Uncertain Significance.

NM_006231.4(POLE):c.1667T>G (p.Ile556Ser)

Gene: POLE (DNA polymerase epsilon, catalytic subunit; minus strand). Cytogenetic location: 12q24.33.
Variant type: single nucleotide variant.
Coding change: c.1667T>G on transcript NM_006231.4 (MANE Select); coding-DNA position 1667, T replaced by G.
Protein change: p.Ile556Ser; replaces isoleucine 556 with serine.
Molecular consequence: missense variant.
Genome position (GRCh38, 1-based): chr12:132,672,646, A>C on the plus strand (T>G on the coding strand, the complement: POLE is on the minus strand). VCF-style: chr12-132672646-A-C. GRCh37 (hg19) VCF-style: chr12-133249232-A-C.
Other names: short protein forms I556S.
Identifiers: ClinVar variation 4746901 (VCV004746901.1).